The following is an entry in ClinVar:

NM_144997.7(FLCN):c.1043C>T (p.Ser348Phe)

Gene: FLCN (folliculin; minus strand). Cytogenetic location: 17p11.2.
Variant type: single nucleotide variant.
Coding change: c.1043C>T on transcript NM_144997.7 (MANE Select); coding-DNA position 1043, C replaced by T.
Protein change: p.Ser348Phe; replaces serine 348 with phenylalanine.
Molecular consequence: missense variant.
Genome position (GRCh38, 1-based): chr17:17,219,038, G>A on the plus strand (C>T on the coding strand, the complement: FLCN is on the minus strand). VCF-style: chr17-17219038-G-A. GRCh37 (hg19) VCF-style: chr17-17122352-G-A.
Other names: c.1097C>T, p.Ser366Phe (NM_001353229.2); c.1043C>T, p.Ser348Phe (NM_001353230.2, NM_001353231.2); short protein forms S348F, S366F.
Identifiers: ClinVar variation 4643053 (VCV004643053.2).
Genomic context (GRCh38, chr17:17,219,038, plus strand): 5'-CTCCTCCTGAGCTCCTGATGCGCTGTGCCCCTGCCGCCTACCTGCCTCATGTGCCGGAGG[G>A]ACTTGAAGACTGGCAGCTTCCGGGGCTGCCAGCTCCCACAGCCTGAGAGAGAGGAGGACT-3'
Protein context (NP_659434.2, residues 338-358): WQPRKLPVFK[Ser348Phe]LRHMRQVLGA

ClinVar aggregate classification (germline): Uncertain significance. Review status: criteria provided, multiple submitters, no conflicts (2 of 4 stars). 2 submissions from 2 submitters: Uncertain significance (2). Last evaluated 2025-11-12.

Conditions:
Hereditary cancer-predisposing syndrome. Also called: Hereditary neoplastic syndrome; Hereditary Cancer Syndrome; Neoplastic Syndromes, Hereditary; Tumor predisposition. Identifiers: Orphanet 140162, MedGen C0027672, MeSH D009386, MONDO:0015356.
Birt-Hogg-Dube syndrome. Also called: Birt Hogg Dubé syndrome. Identifiers: Orphanet 122, MedGen C0346010, MONDO:0800444.

Submissions (2):

Ambry Genetics
Classification: Uncertain significance for Hereditary cancer-predisposing syndrome. Last evaluated: 2025-11-12. Review status: criteria provided, single submitter. Criteria: Ambry Variant Classification Scheme 2023. Collection method: clinical testing. Allele origin: germline.
Comment: The p.S348F variant (also known as c.1043C>T), located in coding exon 6 of the FLCN gene, results from a C to T substitution at nucleotide position 1043. The serine at codon 348 is replaced by phenylalanine, an amino acid with highly dissimilar properties. This amino acid position is highly conserved in available vertebrate species. In addition, this alteration is predicted to be deleterious by in silico analysis. Based on the available evidence, the clinical significance of this variant remains unclear.

Labcorp Genetics (formerly Invitae), Labcorp
Classification: Uncertain significance for Birt-Hogg-Dube syndrome. Last evaluated: 2025-07-27. Review status: criteria provided, single submitter. Criteria: Invitae Variant Classification Sherloc (09022015). Collection method: clinical testing. Allele origin: germline.
Comment: This sequence change replaces serine, which is neutral and polar, with phenylalanine, which is neutral and non-polar, at codon 348 of the FLCN protein (p.Ser348Phe). This variant is not present in population databases (gnomAD no frequency). This variant has not been reported in the literature in individuals affected with FLCN-related conditions. Invitae Evidence Modeling of protein sequence and biophysical properties (such as structural, functional, and spatial information, amino acid conservation, physicochemical variation, residue mobility, and thermodynamic stability) has been performed for this missense variant. However, the output from this modeling did not meet the statistical confidence thresholds required to predict the impact of this variant on FLCN protein function. In summary, the available evidence is currently insufficient to determine the role of this variant in disease. Therefore, it has been classified as a Variant of Uncertain Significance.